The following is an entry in ClinVar:

NM_001077653.2(TBX20):c.10A>T (p.Thr4Ser)

Gene: TBX20 (T-box transcription factor 20; minus strand). Cytogenetic location: 7p14.2.
Variant type: single nucleotide variant.
Coding change: c.10A>T on transcript NM_001077653.2 (MANE Select); coding-DNA position 10, A replaced by T.
Protein change: p.Thr4Ser; replaces threonine 4 with serine.
Molecular consequence: missense variant.
Genome position (GRCh38, 1-based): chr7:35,253,611, T>A on the plus strand (A>T on the coding strand, the complement: TBX20 is on the minus strand). VCF-style: chr7-35253611-T-A. GRCh37 (hg19) VCF-style: chr7-35293222-T-A.
Other names: c.10A>T, p.Thr4Ser (NM_001166220.1); short protein forms T4S.
Identifiers: ClinVar variation 978742 (VCV000978742.11), dbSNP rs147393830, ClinGen allele CA4217621.

ClinVar aggregate classification (germline): Conflicting classifications of pathogenicity. Review status: criteria provided, conflicting classifications (1 of 4 stars). 4 submissions from 4 submitters: Uncertain significance (2); Likely benign (2). Last evaluated 2026-01-13.

Conditions:
Primary dilated cardiomyopathy (DCM). Also called: Dilated Cardiomyopathy. Identifiers: Orphanet 217604, MedGen C0007193, MeSH D002311, MONDO:0005021, HP:0001644. Inheritance: Various modes of inheritance.
Cardiovascular phenotype. Identifiers: MedGen CN230736.

Allele frequency attached by ClinVar (database versions not stated): gnomAD 0.00006 and 0.00008; gnomAD exomes 0.00007 and 0.00012; TOPMed 0.00009; ESP Exome Variant Server 0.00015; ExAC 0.00016; 1000 Genomes Project 30x 0.00047; 1000 Genomes Project 0.00060.
gnomAD v4.1: 119 of 1,611,708 alleles (0.0074%); highest among the groups gnomAD compares: Middle Eastern, 0.22%; no homozygotes.

Submissions (4):

Labcorp Genetics (formerly Invitae), Labcorp
Classification: Uncertain significance. Last evaluated: 2026-01-13. Review status: criteria provided, single submitter. Criteria: Invitae Variant Classification Sherloc (09022015). Collection method: clinical testing. Allele origin: germline.
Comment: This sequence change replaces threonine, which is neutral and polar, with serine, which is neutral and polar, at codon 4 of the TBX20 protein (p.Thr4Ser). This variant is present in population databases (rs147393830, gnomAD 0.02%). This variant has not been reported in the literature in individuals affected with TBX20-related conditions. ClinVar contains an entry for this variant (Variation ID: 978742). An algorithm developed to predict the effect of missense changes on protein structure and function (PolyPhen-2) suggests that this variant is likely to be tolerated. In summary, the available evidence is currently insufficient to determine the role of this variant in disease. Therefore, it has been classified as a Variant of Uncertain Significance.

Blueprint Genetics
Classification: Likely benign. Last evaluated: 2024-11-22. Review status: criteria provided, single submitter. Criteria: ACMG Guidelines, 2015. Collection method: clinical testing. Allele origin: germline.

Ambry Genetics
Classification: Uncertain significance for Cardiovascular phenotype. Last evaluated: 2024-04-28. Review status: criteria provided, single submitter. Criteria: Ambry Variant Classification Scheme 2023. Collection method: clinical testing. Allele origin: germline.
Comment: The p.T4S variant (also known as c.10A>T), located in coding exon 1 of the TBX20 gene, results from an A to T substitution at nucleotide position 10. The threonine at codon 4 is replaced by serine, an amino acid with similar properties. This variant has been detected in individuals with and without congenital heart disease from an exome sequencing cohort (Li AH et al. Genome Med. 2017 10;9(1):95). This amino acid position is highly conserved in available vertebrate species. In addition, the in silico prediction for this alteration is inconclusive. Since supporting evidence is limited at this time, the clinical significance of this alteration remains unclear.

Genetics and Genomics Program, Sidra Medicine
Classification: Likely benign for Primary dilated cardiomyopathy. Review status: criteria provided, single submitter. Criteria: ACMG Guidelines, 2015. Collection method: research. Allele origin: unknown. Affected: yes. Observed: 1 variant allele.

Literature cited by the submitters: PubMed 29089047 (cited by Ambry Genetics).